The following is an entry in ClinVar:

ClinVar aggregate classification (germline): Uncertain significance (1 of 4 stars; one submission).

Conditions:
Alagille syndrome due to a JAG1 point mutation. Also called: Alagille Syndrome 1; JAG1-Related Alagille Syndrome; HEPATIC DUCTULAR HYPOPLASIA, SYNDROMATIC. Identifiers: Orphanet 261619, Orphanet 52, MedGen C1956125, MONDO:0016862, OMIM 118450.

gnomAD v4.1: 10 of 1,613,776 alleles (0.00062%); highest among the groups gnomAD compares: South Asian, 0.0022%; no homozygotes.

Submission:

Labcorp Genetics (formerly Invitae), Labcorp
Classification: Uncertain significance for Alagille syndrome due to a JAG1 point mutation. Last evaluated: 2024-05-20. Review status: criteria provided, single submitter. Criteria: Invitae Variant Classification Sherloc (09022015). Collection method: clinical testing. Allele origin: germline.
Comment: This sequence change replaces alanine, which is neutral and non-polar, with valine, which is neutral and non-polar, at codon 138 of the JAG1 protein (p.Ala138Val). This variant is not present in population databases (gnomAD no frequency). This missense change has been observed in individual(s) with familial exudative vitreoretinopathy (PMID: 31273345). Advanced modeling of protein sequence and biophysical properties (such as structural, functional, and spatial information, amino acid conservation, physicochemical variation, residue mobility, and thermodynamic stability) performed at Invitae indicates that this missense variant is not expected to disrupt JAG1 protein function with a negative predictive value of 80%. Experimental studies have shown that this missense change affects JAG1 function (PMID: 31273345). In summary, the available evidence is currently insufficient to determine the role of this variant in disease. Therefore, it has been classified as a Variant of Uncertain Significance.

Literature cited by the submitters: PubMed 31273345.

NM_000214.3(JAG1):c.413C>T (p.Ala138Val)

Gene: JAG1 (jagged canonical Notch ligand 1; minus strand). Cytogenetic location: 20p12.2.
Variant type: single nucleotide variant.
Coding change: c.413C>T on transcript NM_000214.3 (MANE Select); coding-DNA position 413, C replaced by T.
Protein change: p.Ala138Val; replaces alanine 138 with valine.
Molecular consequence: missense variant.
Genome position (GRCh38, 1-based): chr20:10,663,989, G>A on the plus strand (C>T on the coding strand, the complement: JAG1 is on the minus strand). VCF-style: chr20-10663989-G-A. GRCh37 (hg19) VCF-style: chr20-10644637-G-A.
Other names: short protein forms A138V.
Identifiers: ClinVar variation 3702991 (VCV003702991.2).